The following is an entry in ClinVar:

NM_001734.5(C1S):c.1134T>G (p.Phe378Leu)

Gene: C1S (complement C1s; plus strand). Cytogenetic location: 12p13.31.
Variant type: single nucleotide variant.
Coding change: c.1134T>G on transcript NM_001734.5 (MANE Select); coding-DNA position 1134, T replaced by G.
Protein change: p.Phe378Leu; replaces phenylalanine 378 with leucine.
Molecular consequence: missense variant.
Genome position (GRCh38, 1-based): chr12:7,067,710, T>G. VCF-style: chr12-7067710-T-G. GRCh37 (hg19) VCF-style: chr12-7175014-T-G.
Other names: c.633T>G, p.Phe211Leu (NM_001346850.2); c.1134T>G, p.Phe378Leu (NM_201442.4); short protein forms F378L, F211L.
Identifiers: ClinVar variation 2798894 (VCV002798894.4), dbSNP rs1305823966, ClinGen allele CA383700998.

ClinVar aggregate classification (germline): Uncertain significance. Review status: criteria provided, multiple submitters, no conflicts (2 of 4 stars). 2 submissions from 2 submitters: Uncertain significance (2). Last evaluated 2025-05-05.

Allele frequency attached by ClinVar (database versions not stated): gnomAD 0.00001; TOPMed 0.00001.
gnomAD v4.1: 2 of 1,613,978 alleles (0.00012%); highest among the groups gnomAD compares: Non-Finnish European, 0.00017%; no homozygotes.

Submissions (2):

Women's Health and Genetics/Laboratory Corporation of America, LabCorp
Classification: Uncertain significance. Last evaluated: 2025-05-05. Review status: criteria provided, single submitter. Criteria: LabCorp Variant Classification Summary - May 2015. Collection method: clinical testing. Allele origin: germline.
Comment: Variant summary: C1S c.1134T>G (p.Phe378Leu) results in a non-conservative amino acid change in the encoded protein sequence. Algorithms developed to predict the effect of missense changes on protein structure and function are either unavailable or do not agree on the potential impact of this missense change. The variant was absent in 251456 control chromosomes. The available data on variant occurrences in the general population are insufficient to allow any conclusion about variant significance. To our knowledge, no occurrence of c.1134T>G in individuals affected with Complement component C1s deficiency and no experimental evidence demonstrating its impact on protein function have been reported. ClinVar contains an entry for this variant (Variation ID: 2798894). Based on the evidence outlined above, the variant was classified as uncertain significance.

Labcorp Genetics (formerly Invitae), Labcorp
Classification: Uncertain significance. Last evaluated: 2024-04-29. Review status: criteria provided, single submitter. Criteria: Invitae Variant Classification Sherloc (09022015). Collection method: clinical testing. Allele origin: germline.
Comment: This sequence change replaces phenylalanine, which is neutral and non-polar, with leucine, which is neutral and non-polar, at codon 378 of the C1S protein (p.Phe378Leu). This variant is not present in population databases (gnomAD no frequency). This variant has not been reported in the literature in individuals affected with C1S-related conditions. Advanced modeling of protein sequence and biophysical properties (such as structural, functional, and spatial information, amino acid conservation, physicochemical variation, residue mobility, and thermodynamic stability) performed at Invitae indicates that this missense variant is not expected to disrupt C1S protein function with a negative predictive value of 80%. In summary, the available evidence is currently insufficient to determine the role of this variant in disease. Therefore, it has been classified as a Variant of Uncertain Significance.